The following is an entry in ClinVar:

NM_018714.3(COG1):c.1792G>A (p.Gly598Arg)

Gene: COG1 (component of oligomeric golgi complex 1; plus strand). Cytogenetic location: 17q25.1.
Variant type: single nucleotide variant.
Coding change: c.1792G>A on transcript NM_018714.3 (MANE Select); coding-DNA position 1792, G replaced by A.
Protein change: p.Gly598Arg; replaces glycine 598 with arginine.
Molecular consequence: missense variant.
Genome position (GRCh38, 1-based): chr17:73,201,619, G>A. VCF-style: chr17-73201619-G-A. GRCh37 (hg19) VCF-style: chr17-71197758-G-A.
Other names: short protein forms G598R.
Identifiers: ClinVar variation 3626595 (VCV003626595.1).

ClinVar aggregate classification (germline): Uncertain significance (1 of 4 stars; one submission).

Conditions:
COG1 congenital disorder of glycosylation (CDG2G). Also called: CONGENITAL DISORDER OF GLYCOSYLATION, TYPE IIg; CDG IIg; CDGII/COG1 CEREBROCOSTOMANDIBULAR-LIKE SYNDROME. Identifiers: Orphanet 263508, MedGen C2931011, MONDO:0012637, OMIM 611209.

Submission:

Labcorp Genetics (formerly Invitae), Labcorp
Classification: Uncertain significance for COG1 congenital disorder of glycosylation. Last evaluated: 2024-11-11. Review status: criteria provided, single submitter. Criteria: Invitae Variant Classification Sherloc (09022015). Collection method: clinical testing. Allele origin: germline.
Comment: This sequence change replaces glycine, which is neutral and non-polar, with arginine, which is basic and polar, at codon 598 of the COG1 protein (p.Gly598Arg). This variant is present in population databases (rs755580669, gnomAD 0.05%). This variant has not been reported in the literature in individuals affected with COG1-related conditions. An algorithm developed to predict the effect of missense changes on protein structure and function outputs the following: PolyPhen-2: "Benign". The arginine amino acid residue is found in multiple mammalian species, which suggests that this missense change does not adversely affect protein function. In summary, the available evidence is currently insufficient to determine the role of this variant in disease. Therefore, it has been classified as a Variant of Uncertain Significance.